The following is an entry in ClinVar:

NM_032383.5(HPS3):c.552T>A (p.Asp184Glu)

Gene: HPS3 (HPS3 biogenesis of lysosomal organelles complex 2 subunit 1; plus strand). Cytogenetic location: 3q24.
Variant type: single nucleotide variant.
Coding change: c.552T>A on transcript NM_032383.5 (MANE Select); coding-DNA position 552, T replaced by A.
Protein change: p.Asp184Glu; replaces aspartic acid 184 with glutamic acid.
Molecular consequence: missense variant. On other transcripts: intron variant (1).
Genome position (GRCh38, 1-based): chr3:149,140,338, T>A. VCF-style: chr3-149140338-T-A. GRCh37 (hg19) VCF-style: chr3-148858125-T-A.
Other names: c.218-679T>A (NM_001308258.2); short protein forms D184E.
Identifiers: ClinVar variation 1896597 (VCV001896597.5), dbSNP rs2473069268, ClinGen allele CA354912282.

ClinVar aggregate classification (germline): Uncertain significance (1 of 4 stars; one submission).

Submission:

Labcorp Genetics (formerly Invitae), Labcorp
Classification: Uncertain significance. Last evaluated: 2023-07-07. Review status: criteria provided, single submitter. Criteria: Invitae Variant Classification Sherloc (09022015). Collection method: clinical testing. Allele origin: germline.
Comment: In summary, the available evidence is currently insufficient to determine the role of this variant in disease. Therefore, it has been classified as a Variant of Uncertain Significance. Algorithms developed to predict the effect of missense changes on protein structure and function output the following: SIFT: "Not Available"; PolyPhen-2: "Probably Damaging"; Align-GVGD: "Not Available". The glutamic acid amino acid residue is found in multiple mammalian species, which suggests that this missense change does not adversely affect protein function. ClinVar contains an entry for this variant (Variation ID: 1896597). This variant has not been reported in the literature in individuals affected with HPS3-related conditions. This variant is not present in population databases (gnomAD no frequency). This sequence change replaces aspartic acid, which is acidic and polar, with glutamic acid, which is acidic and polar, at codon 184 of the HPS3 protein (p.Asp184Glu).